The following is an entry in ClinVar:

ClinVar aggregate classification (germline): Uncertain significance (1 of 4 stars; one submission).

Conditions:
Catecholaminergic polymorphic ventricular tachycardia 1. Also called: VENTRICULAR TACHYCARDIA, CATECHOLAMINERGIC POLYMORPHIC, 1, WITH OR WITHOUT ATRIAL DYSFUNCTION AND/OR DILATED CARDIOMYOPATHY; RYR2-Related Catecholaminergic Polymorphic Ventricular Tachycardia; VENTRICULAR TACHYCARDIA, STRESS-INDUCED POLYMORPHIC 1. Identifiers: Orphanet 3286, MedGen C1631597, MONDO:0011484, OMIM 604772.

Allele frequency attached by ClinVar (database versions not stated): ExAC 0.00001; gnomAD exomes 0.00002; ESP Exome Variant Server 0.00008.
gnomAD v4.1: 14 of 1,609,746 alleles (0.00087%); highest among the groups gnomAD compares: Middle Eastern, 0.05%; no homozygotes.

Submission:

Labcorp Genetics (formerly Invitae), Labcorp
Classification: Uncertain significance for Catecholaminergic polymorphic ventricular tachycardia 1. Last evaluated: 2022-04-28. Review status: criteria provided, single submitter. Criteria: Invitae Variant Classification Sherloc (09022015). Collection method: clinical testing. Allele origin: germline.
Comment: This sequence change falls in intron 38 of the TRDN gene. It does not directly change the encoded amino acid sequence of the TRDN protein. This variant is present in population databases (rs368752139, gnomAD 0.005%). This variant has not been reported in the literature in individuals affected with TRDN-related conditions. Algorithms developed to predict the effect of sequence changes on RNA splicing suggest that this variant may disrupt the consensus splice site. In summary, the available evidence is currently insufficient to determine the role of this variant in disease. Therefore, it has been classified as a Variant of Uncertain Significance.

NM_006073.4(TRDN):c.1976-6C>G

Gene: TRDN (triadin; minus strand). Cytogenetic location: 6q22.31.
Variant type: single nucleotide variant.
Coding change: c.1976-6C>G on transcript NM_006073.4 (MANE Select); 6 bases into the intron before coding-DNA position 1976, C replaced by G.
Molecular consequence: intron variant.
Genome position (GRCh38, 1-based): chr6:123,224,137, G>C on the plus strand (C>G on the coding strand, the complement: TRDN is on the minus strand). VCF-style: chr6-123224137-G-C. GRCh37 (hg19) VCF-style: chr6-123545282-G-C.
Identifiers: ClinVar variation 1428758 (VCV001428758.4), dbSNP rs368752139, ClinGen allele CA3983651.